The following is an entry in ClinVar:

NM_004304.5(ALK):c.4306C>A (p.Arg1436Ser)

Gene: ALK (ALK receptor tyrosine kinase; minus strand). Cytogenetic location: 2p23.2.
Variant type: single nucleotide variant.
Coding change: c.4306C>A on transcript NM_004304.5 (MANE Select); coding-DNA position 4306, C replaced by A.
Protein change: p.Arg1436Ser; replaces arginine 1436 with serine.
Molecular consequence: missense variant.
Genome position (GRCh38, 1-based): chr2:29,193,781, G>T on the plus strand (C>A on the coding strand, the complement: ALK is on the minus strand). VCF-style: chr2-29193781-G-T. GRCh37 (hg19) VCF-style: chr2-29416647-G-T.
Other names: c.4306C>A (NM_004304.4); c.1102C>A, p.Arg368Ser (NM_001353765.2); short protein forms R1436S, R368S.
Identifiers: ClinVar variation 1023647 (VCV001023647.9), dbSNP rs201129468, ClinGen allele CA346462701.
Genomic context (GRCh38, chr2:29,193,781, plus strand): 5'-GTTTCTTTGCAGCCTTGCCAGAGGAGGTGGTAGGCAGAGGTGGTGGGGCAGCTGGGCTGC[G>T]CTCCTCCTCCCGTTTTGCCTGTTGAGAGACCAGGAGAGGAGGAACCCCCTCAGGGTCCTT-3'
Protein context (NP_004295.2, residues 1426-1446): VSQQAKREEE[Arg1436Ser]SPAAPPPLPT

ClinVar aggregate classification (germline): Uncertain significance. Review status: criteria provided, multiple submitters, no conflicts (2 of 4 stars). 2 submissions from 2 submitters: Uncertain significance (2). Last evaluated 2025-09-01.

Conditions:
Hereditary cancer-predisposing syndrome. Also called: Hereditary neoplastic syndrome; Neoplastic Syndromes, Hereditary; Tumor predisposition; Hereditary Cancer Syndrome. Identifiers: Orphanet 140162, MedGen C0027672, MeSH D009386, MONDO:0015356.
Neuroblastoma, susceptibility to, 3. Also called: ALK-Related Neuroblastic Tumor Susceptibility. Identifiers: Orphanet 635, MedGen C2751681, MONDO:0013083, OMIM 613014.

Submissions (2):

Ambry Genetics
Classification: Uncertain significance for Hereditary cancer-predisposing syndrome. Last evaluated: 2025-09-01. Review status: criteria provided, single submitter. Criteria: Ambry Variant Classification Scheme 2023. Collection method: clinical testing. Allele origin: germline.
Comment: The p.R1436S variant (also known as c.4306C>A), located in coding exon 29 of the ALK gene, results from a C to A substitution at nucleotide position 4306. The arginine at codon 1436 is replaced by serine, an amino acid with dissimilar properties. This amino acid position is conserved. In addition, this alteration is predicted to be tolerated by in silico analysis. Based on the available evidence, the clinical significance of this variant remains unclear.

Labcorp Genetics (formerly Invitae), Labcorp
Classification: Uncertain significance for Neuroblastoma, susceptibility to, 3. Last evaluated: 2022-11-02. Review status: criteria provided, single submitter. Criteria: Invitae Variant Classification Sherloc (09022015). Collection method: clinical testing. Allele origin: germline.
Comment: This sequence change replaces arginine, which is basic and polar, with serine, which is neutral and polar, at codon 1436 of the ALK protein (p.Arg1436Ser). This variant is not present in population databases (gnomAD no frequency). This variant has not been reported in the literature in individuals affected with ALK-related conditions. ClinVar contains an entry for this variant (Variation ID: 1023647). Algorithms developed to predict the effect of missense changes on protein structure and function (SIFT, PolyPhen-2, Align-GVGD) all suggest that this variant is likely to be tolerated. In summary, the available evidence is currently insufficient to determine the role of this variant in disease. Therefore, it has been classified as a Variant of Uncertain Significance.